The following is an entry in ClinVar:

NM_002074.5(GNB1):c.641G>A (p.Arg214Gln)

Gene: GNB1 (G protein subunit beta 1; minus strand). Cytogenetic location: 1p36.33.
Variant type: single nucleotide variant.
Coding change: c.641G>A on transcript NM_002074.5 (MANE Select); coding-DNA position 641, G replaced by A.
Protein change: p.Arg214Gln; replaces arginine 214 with glutamine.
Molecular consequence: missense variant.
Genome position (GRCh38, 1-based): chr1:1,790,453, C>T on the plus strand (G>A on the coding strand, the complement: GNB1 is on the minus strand). VCF-style: chr1-1790453-C-T. GRCh37 (hg19) VCF-style: chr1-1721892-C-T.
Other names: c.341G>A, p.Arg114Gln (NM_001282538.2); c.641G>A, p.Arg214Gln (NM_001282539.2); short protein forms R114Q, R214Q.
Identifiers: ClinVar variation 4852462 (VCV004852462.1).

ClinVar aggregate classification (germline): Likely benign (1 of 4 stars; one submission).

Conditions:
Intellectual developmental disorder, autosomal dominant 42. Also called: GNB1 Encephalopathy; Intellectual disability, autosomal dominant 42; Global developmental delay-neuro-ophthalmological abnormalities-seizures-intellectual disability syndrome. Identifiers: Orphanet 488613, MedGen C4310774, MONDO:0014855, OMIM 616973.

Submission:

Centre for Medical Genetics,  Mumbai
Classification: Likely benign for Intellectual developmental disorder, autosomal dominant 42. Last evaluated: 2026-05-11. Review status: criteria provided, single submitter. Criteria: ACMG Guidelines, 2015. Collection method: provider interpretation. Allele origin: germline. Inheritance: Autosomal dominant inheritance. Affected: no. Observed: 1 variant allele, 1 heterozygote.
Comment: The variant satisfies PM2 criteria - extremely low frequency in gnomAD population databases. The variant satisfies PP2 criteria - missense variant in a gene with low rate of benign missense mutations and for which missense mutation is a common mechanism of a disease. However, the variant satisfies BS2 criteria - present in heterozygous state in an individual that clinically does not have Intellectual developmental disorder.

Literature cited by the submitters: PubMed 27108799.